The following is an entry in ClinVar:

NM_182961.4(SYNE1):c.15535G>A (p.Ala5179Thr)

Gene: SYNE1 (spectrin repeat containing nuclear envelope protein 1; minus strand). Cytogenetic location: 6q25.2.
Variant type: single nucleotide variant.
Coding change: c.15535G>A on transcript NM_182961.4 (MANE Select); coding-DNA position 15535, G replaced by A.
Protein change: p.Ala5179Thr; replaces alanine 5179 with threonine.
Molecular consequence: missense variant.
Genome position (GRCh38, 1-based): chr6:152,325,206, C>T on the plus strand (G>A on the coding strand, the complement: SYNE1 is on the minus strand). VCF-style: chr6-152325206-C-T. GRCh37 (hg19) VCF-style: chr6-152646341-C-T.
Other names: c.15322G>A, p.Ala5108Thr (NM_033071.5); short protein forms A5179T, A5108T.
Identifiers: ClinVar variation 1985275 (VCV001985275.5), dbSNP rs375686353, ClinGen allele CA4055759.

ClinVar aggregate classification (germline): Uncertain significance. Review status: criteria provided, multiple submitters, no conflicts (2 of 4 stars). 2 submissions from 2 submitters: Uncertain significance (2). Last evaluated 2025-06-13.

Conditions:
Emery-Dreifuss muscular dystrophy 4, autosomal dominant (EDMD4). Also called: EMERY-DREIFUSS MUSCULAR DYSTROPHY 4 WITH VARIABLE FEATURES. Identifiers: Orphanet 261, MedGen C2751807, MONDO:0013071, OMIM 612998.
Autosomal recessive ataxia, Beauce type. Also called: SYNE1 Deficiency; Spinocerebellar ataxia, autosomal recessive 8; ATAXIA, RECESSIVE, OF BEAUCE; SYNE1-Related Autosomal Recessive Cerebellar Ataxia. Identifiers: Orphanet 88644, MedGen C1853116, MONDO:0012549, OMIM 610743.

gnomAD v4.1: 13 of 1,614,142 alleles (0.00081%); highest among the groups gnomAD compares: Non-Finnish European, 0.0011%; no homozygotes.

Submissions (2):

Revvity Omics, Revvity
Classification: Uncertain significance. Last evaluated: 2025-06-13. Review status: criteria provided, single submitter. Criteria: ACMG Guidelines, 2015. Collection method: clinical testing. Allele origin: germline.

Labcorp Genetics (formerly Invitae), Labcorp
Classification: Uncertain significance for Emery-Dreifuss muscular dystrophy 4, autosomal dominant; Autosomal recessive ataxia, Beauce type. Last evaluated: 2022-07-13. Review status: criteria provided, single submitter. Criteria: Invitae Variant Classification Sherloc (09022015). Collection method: clinical testing. Allele origin: germline.
Comment: This sequence change replaces alanine, which is neutral and non-polar, with threonine, which is neutral and polar, at codon 5108 of the SYNE1 protein (p.Ala5108Thr). This variant is present in population databases (rs375686353, gnomAD 0.0009%). In summary, the available evidence is currently insufficient to determine the role of this variant in disease. Therefore, it has been classified as a Variant of Uncertain Significance. Algorithms developed to predict the effect of missense changes on protein structure and function are either unavailable or do not agree on the potential impact of this missense change (SIFT: "Deleterious"; PolyPhen-2: "Probably Damaging"; Align-GVGD: "Class C0"). This variant has not been reported in the literature in individuals affected with SYNE1-related conditions.